The following is an entry in ClinVar:

ClinVar aggregate classification (germline): Likely pathogenic. Review status: reviewed by expert panel (3 of 4 stars). 8 submissions from 8 submitters: Likely pathogenic (1). 7 of the submissions do not count toward it. Last evaluated 2022-10-12.

Conditions:
ACADVL-related disorder. Also called: ACADVL-related condition.
Very long chain acyl-CoA dehydrogenase deficiency (ACADVLD). Also called: VLCAD Deficiency; Very Long-Chain Acyl-Coenzyme A Dehydrogenase Deficiency. Identifiers: Orphanet 26793, MedGen C3887523, MONDO:0008723, OMIM 201475.

Allele frequency attached by ClinVar (database versions not stated): TOPMed 0.00001; gnomAD 0.00001; gnomAD exomes 0.00001.
gnomAD v4.1: 18 of 1,614,088 alleles (0.0011%); highest among the groups gnomAD compares: Non-Finnish European, 0.0014%; no homozygotes.

Submissions (8):

ClinGen ACADVL Variant Curation Expert Panel, ClinGen
Classification: Likely pathogenic for Very long chain acyl-CoA dehydrogenase deficiency. Last evaluated: 2022-10-12. Review status: reviewed by expert panel. Criteria: clingen acadvl acmg specifications v1. Collection method: curation. Allele origin: germline. Inheritance: Autosomal recessive inheritance.
Comment: The c.1406G>A variant in ACADVL is a missense variant predicted to cause substitution of Arginine by Glutamine at amino acid 469 (p.Arg469Trp). This variant has been detected in 4 individuals with very long chain acyl CoA dehydrogenase (VLCAD) deficiency; of the 3 homozygous individuals, 2 were monozygotic twins; in one heterozygous individual, a second distinct pathogenic variant in ACADVL was not observed. (PM3 points = 1.0 max, PMIDs: 9973285, 17514507, 25834949) (PM3). (PM3 points = 1.0 max, PMIDs: 9973285, 17514507, 25834949) (PM3). At least one patient with this variant displayed ACADVL enzyme activity of <20% of normal which is highly specific for VLCADD (PP4_Moderate, PMID: 25834949). Another missense variant c.1405C>T (p.Arg469Trp) [VCV000021017.19, PMIDs: 9973285, 17374501, 17999356] in the same codon has been classified as likely pathogenic for very long chain acyl CoA dehydrogenase (VLCAD) deficiency by the ClinGen ACADVL Variant Curation Expert Panel (PM5_Supporting). This variant resides at a CpG di-nucleotide of ACADVL that is defined as a mutational hotspot by the ClinGen ACADVL Variant Curation Expert Panel (PMID: 9973285) (PM1). To our knowledge, functional assays have not been reported for this variant. This variant is absent from gnomAD 2.1.1 (PM2_Supporting). The computational predictor REVEL gives a score of 0.955, which is above the threshold of 0.75, evidence that correlates with impact to ACADVL function (PP3). In summary, this variant meets the criteria to be classified as LIKELY PATHOGENIC for autosomal recessive very long chain acyl-CoA dehydrogenase (VLCAD) deficiency based on the ACMG/AMP criteria applied, as specified by the ClinGen ACADVL Variant Curation Expert Panel: PM3, PP4_Moderate, PM5, PM1, PM2_Supporting, PP3 (ClinGen ACADVL VCEP specifications version#1; 08-16-2022).

Natera, Inc.
Classification: Likely pathogenic for Very long chain acyl-CoA dehydrogenase deficiency. Last evaluated: 2025-07-07. Review status: criteria provided, single submitter. Criteria: Natera Variant Classification Schema (03/2026). Collection method: clinical testing. Allele origin: germline. Not counted in ClinVar's aggregate classification.
Comment: The c.1406G>A variant in ACADVL is a missense variant predicted to cause substitution of arginine to glutamine at amino acid 469. This variant is rare in the general population with a frequency below the threshold expected for the associated phenotype(s). This variant has been observed in one or more individuals affected with the associated recessive disease, as either homozygous or compound heterozygous with a second variant (PMID: 38516404, 33965301, 36109795). Functional studies show that this variant may disrupt protein function (PMID: 30761551). A different variant at the same position has been determined to be Pathogenic or Likely Pathogenic. Computational prediction algorithms indicate this variant is likely to affect gene or protein function. Given the available evidence, this variant is classified as Likely Pathogenic.

Labcorp Genetics (formerly Invitae), Labcorp
Classification: Pathogenic for Very long chain acyl-CoA dehydrogenase deficiency. Last evaluated: 2025-07-03. Review status: criteria provided, single submitter. Criteria: Invitae Variant Classification Sherloc (09022015). Collection method: clinical testing. Allele origin: germline. Not counted in ClinVar's aggregate classification.
Comment: This sequence change replaces arginine, which is basic and polar, with glutamine, which is neutral and polar, at codon 469 of the ACADVL protein (p.Arg469Gln). This variant is not present in population databases (gnomAD no frequency). This missense change has been observed in individual(s) with very long-chain acyl-CoA dehydrogenase deficiency (PMID: 25834949, 33965301). This variant is also known as R429Q. ClinVar contains an entry for this variant (Variation ID: 92276). Invitae Evidence Modeling of protein sequence and biophysical properties (such as structural, functional, and spatial information, amino acid conservation, physicochemical variation, residue mobility, and thermodynamic stability) has been performed for this missense variant. However, the output from this modeling did not meet the statistical confidence thresholds required to predict the impact of this variant on ACADVL protein function. This variant disrupts the p.Arg469 amino acid residue in ACADVL. Other variant(s) that disrupt this residue have been determined to be pathogenic (PMID: 9973285, 17374501, 17999356, 27246109). This suggests that this residue is clinically significant, and that variants that disrupt this residue are likely to be disease-causing. For these reasons, this variant has been classified as Pathogenic.

Blueprint Genetics
Classification: Pathogenic for ACADVL-related disorders. Last evaluated: 2024-04-11. Review status: criteria provided, single submitter. Criteria: ACMG Guidelines, 2015. Collection method: clinical testing. Allele origin: germline. Affected: yes. Observed: 3 variant alleles. Not counted in ClinVar's aggregate classification.

Baylor Genetics
Classification: Pathogenic for Very long chain acyl-CoA dehydrogenase deficiency. Last evaluated: 2023-03-15. Review status: criteria provided, single submitter. Criteria: ACMG Guidelines, 2015. Collection method: clinical testing. Allele origin: unknown. Not counted in ClinVar's aggregate classification.

Wong Mito Lab, Molecular and Human Genetics, Baylor College of Medicine
Classification: Pathogenic for Very long chain acyl-CoA dehydrogenase deficiency. Last evaluated: 2019-11-01. Review status: criteria provided, single submitter. Criteria: ACMG Guidelines, 2015. Collection method: clinical testing. Allele origin: germline. Not counted in ClinVar's aggregate classification.
Comment: The NM_000018.3:c.1406G>A (NP_000009.1:p.Arg469Gln) [GRCH38: NC_000017.11:g.7224041G>A] variant in ACADVL gene is interpretated to be Pathogenic based on ACMG guidelines (PMID: 25741868). This variant has been reported in PMID: 9973285. This variant meets the following evidence codes reported in the ACMG guidelines: PS1, PS3

Eurofins Ntd Llc (ga)
Classification: Pathogenic. Last evaluated: 2012-08-06. Review status: criteria provided, single submitter. Criteria: EGL Classification Definitions. Collection method: clinical testing. Allele origin: germline. Observed: 1 variant allele, 1 heterozygote. Not counted in ClinVar's aggregate classification.

Counsyl
Classification: Likely pathogenic for Very long chain acyl-CoA dehydrogenase deficiency. Last evaluated: 2015-02-25. Review status: no assertion criteria provided. Collection method: literature only. Allele origin: unknown. Inheritance: Autosomal recessive inheritance. Not counted in ClinVar's aggregate classification.

Literature cited by the submitters: PubMed 38516404 (cited by Natera, Inc.); PubMed 33965301 (cited by Natera, Inc. and Labcorp Genetics (formerly Invitae), Labcorp); PubMed 36109795 (cited by Natera, Inc.); PubMed 30761551 (cited by Natera, Inc.); PubMed 25834949 (cited by Labcorp Genetics (formerly Invitae), Labcorp); PubMed 9973285 (cited by 3 submitters); PubMed 17374501 (cited by Labcorp Genetics (formerly Invitae), Labcorp); PubMed 17999356 (cited by Labcorp Genetics (formerly Invitae), Labcorp); PubMed 27246109 (cited by Labcorp Genetics (formerly Invitae), Labcorp); PubMed 24305961 (cited by Counsyl); PubMed 23798014 (cited by Counsyl); PubMed 17514507 (cited by Counsyl).

NM_000018.4(ACADVL):c.1406G>A (p.Arg469Gln)

Gene: ACADVL (acyl-CoA dehydrogenase very long chain; plus strand). Cytogenetic location: 17p13.1.
Variant type: single nucleotide variant.
Coding change: c.1406G>A on transcript NM_000018.4 (MANE Select); coding-DNA position 1406, G replaced by A.
Protein change: p.Arg469Gln; replaces arginine 469 with glutamine.
Molecular consequence: missense variant.
Genome position (GRCh38, 1-based): chr17:7,224,041, G>A. VCF-style: chr17-7224041-G-A. GRCh37 (hg19) VCF-style: chr17-7127360-G-A.
Other names: NM_000018.4(ACADVL):c.1406G>A; c.1340G>A, p.Arg447Gln (NM_001033859.3); c.1475G>A, p.Arg492Gln (NM_001270447.2); c.1178G>A, p.Arg393Gln (NM_001270448.2); short protein forms R469Q, R393Q, R492Q, R447Q.
Identifiers: ClinVar variation 92276 (VCV000092276.32), dbSNP rs398123083, ClinGen allele CA220197.